The following is an entry in ClinVar:

NM_001845.6(COL4A1):c.3556+6C>G

Gene: COL4A1 (collagen type IV alpha 1 chain; minus strand). Cytogenetic location: 13q34.
Variant type: single nucleotide variant.
Coding change: c.3556+6C>G on transcript NM_001845.6 (MANE Select); 6 bases into the intron after coding-DNA position 3556, C replaced by G.
Molecular consequence: intron variant.
Genome position (GRCh38, 1-based): chr13:110,172,714, G>C on the plus strand (C>G on the coding strand, the complement: COL4A1 is on the minus strand). VCF-style: chr13-110172714-G-C. GRCh37 (hg19) VCF-style: chr13-110825061-G-C.
Identifiers: ClinVar variation 3666060 (VCV003666060.2).

ClinVar aggregate classification (germline): Uncertain significance (1 of 4 stars; one submission).

gnomAD v4.1: 5 of 1,613,468 alleles (0.00031%); highest among the groups gnomAD compares: Non-Finnish European, 0.00042%; no homozygotes.

Submission:

Labcorp Genetics (formerly Invitae), Labcorp
Classification: Uncertain significance. Last evaluated: 2024-08-18. Review status: criteria provided, single submitter. Criteria: Invitae Variant Classification Sherloc (09022015). Collection method: clinical testing. Allele origin: germline.
Comment: This sequence change falls in intron 41 of the COL4A1 gene. It does not directly change the encoded amino acid sequence of the COL4A1 protein. It affects a nucleotide within the consensus splice site. This variant is not present in population databases (gnomAD no frequency). This variant has not been reported in the literature in individuals affected with COL4A1-related conditions. Variants that disrupt the consensus splice site are a relatively common cause of aberrant splicing (PMID: 17576681, 9536098). Algorithms developed to predict the effect of sequence changes on RNA splicing suggest that this variant is not likely to affect RNA splicing. In summary, the available evidence is currently insufficient to determine the role of this variant in disease. Therefore, it has been classified as a Variant of Uncertain Significance.

Literature cited by the submitters: PubMed 17576681; PubMed 9536098.